The following is an entry in ClinVar:

NM_000204.5(CFI):c.709C>T (p.Gln237Ter)

Gene: CFI (complement factor I; minus strand). Cytogenetic location: 4q25.
Variant type: single nucleotide variant.
Coding change: c.709C>T on transcript NM_000204.5 (MANE Select); coding-DNA position 709, C replaced by T.
Protein change: p.Gln237Ter; replaces glutamine 237 with a stop codon.
Molecular consequence: nonsense. On other transcripts: non-coding transcript variant (3).
Genome position (GRCh38, 1-based): chr4:109,760,586, G>A on the plus strand (C>T on the coding strand, the complement: CFI is on the minus strand). VCF-style: chr4-109760586-G-A. GRCh37 (hg19) VCF-style: chr4-110681742-G-A.
Other names: c.709C>T, p.Gln237Ter (NM_001318057.2, NM_001331035.2, NM_001375278.1 and 10 more transcripts); c.100C>T, p.Gln34Ter (NM_001375284.1); short protein forms Q237*, Q34*.
Identifiers: ClinVar variation 4280564 (VCV004280564.1).
Genomic context (GRCh38, chr4:109,760,586, plus strand): 5'-TACAACACAGTTCATCACTTTGGTCTCCACAATCATTGATACCATCACAGGCTTTCATCT[G>A]AGAAATGTATTTCCCATTCACACACTGAAAGAAGTCATCCATTGGAGAATCTGTAAAGCA-3'

ClinVar aggregate classification (germline): Likely pathogenic, low penetrance (1 of 4 stars; one submission).

Conditions:
CFI-related disorder. Also called: CFI-related condition; CFI-related disorders. Identifiers: MedGen CN239325.

Submission:

Genomenon, Inc
Classification: Likely pathogenic, low penetrance for CFI-related disorder. Last evaluated: 2025-09-26. Review status: criteria provided, single submitter. Criteria: Genomenon Sequence Variant Interpretation Standards - Updated. Collection method: curation. Allele origin: germline. Affected: no.
Comment: CFI p.Gln237Ter (c.709C>T) is a nonsense variant that introduces a premature stop codon at amino acid position 237, creating a truncated protein that is predicted to undergo nonsense-mediated mRNA decay. This variant has been reported in the published literature (PMID:38320731). It is absent or not present at a significant frequency in gnomAD. In conclusion, we classify CFI p.Gln237Ter (c.709C>T) as a likely pathogenic, low penetrance variant.

Literature cited by the submitters: PubMed 38320731.